The following is an entry in ClinVar:

ClinVar aggregate classification (germline): Pathogenic (1 of 4 stars; one submission).

Conditions:
Stickler syndrome. Identifiers: Orphanet 828, MedGen C0265253, MONDO:0019354.

Submission:

Cambridge Genomics Laboratory, East Genomic Laboratory Hub, NHS Genomic Medicine Service
Classification: Pathogenic for Stickler syndrome. Last evaluated: 2026-04-09. Review status: criteria provided, single submitter. Criteria: ACGS Best Practice Guidelines for Variant Classification in Rare Disease 2020. Collection method: clinical testing. Allele origin: germline. Affected: yes.
Comment: PVS1,PM2

NM_001844.5(COL2A1):c.2336del (p.Pro779fs)

Gene: COL2A1 (collagen type II alpha 1 chain; minus strand). Cytogenetic location: 12q13.11.
Variant type: Deletion.
Coding change: c.2336del on transcript NM_001844.5 (MANE Select); coding-DNA position 2336, one base deleted (C; older notation c.2336delC).
Protein change: p.Pro779fs; shifts the reading frame from proline 779.
Molecular consequence: frameshift variant.
Genome position (GRCh38, 1-based): chr12:47,982,126, G deleted on the plus strand (C on the coding strand, the reverse complement: COL2A1 is on the minus strand); the first of 4 consecutive G bases (chr12:47,982,126-47,982,129); deleting any one gives the same sequence. VCF-style (leftmost placement, unchanged base first): chr12-47982125-AG-A. GRCh37 (hg19) VCF-style: chr12-48375908-AG-A.
Other names: c.2129del, p.Pro710fs (NM_033150.3); short protein forms P710fs, P779fs.
Identifiers: ClinVar variation 4820258 (VCV004820258.1).